The following is an entry in ClinVar:

ClinVar aggregate classification (germline): Uncertain significance (1 of 4 stars; one submission).

Conditions:
Malignant hyperthermia, susceptibility to, 1 (MHS1). Also called: Anesthesia related hyperthermia; Malignant hyperpyrexia; Fulminating hyperpyrexia; Pharmacogenic myopathy; RYR1-Related Malignant Hyperthermia Susceptibility; Malignant hyperthermia suceptibility 1. Identifiers: Orphanet 423, MedGen C2930980, MONDO:0007783, OMIM 145600.

Submission:

All of Us Research Program, National Institutes of Health
Classification: Uncertain significance for Malignant hyperthermia, susceptibility to, 1. Last evaluated: 2023-12-13. Review status: criteria provided, single submitter. Criteria: ACMG Guidelines, 2015. Collection method: clinical testing. Allele origin: germline. Inheritance: Autosomal dominant inheritance. Observed: 1 variant allele, 1 heterozygote.
Comment: This missense variant replaces alanine with serine at codon 1396 of the RYR1 protein. Computational prediction suggests that this variant may not impact protein structure and function (internally defined REVEL score threshold <= 0.5, PMID: 27666373). To our knowledge, functional studies have not been reported for this variant. This variant has not been reported in individuals affected with RYR1-related disorders in the literature. This variant has not been identified in the general population by the Genome Aggregation Database (gnomAD). The available evidence is insufficient to determine the role of this variant in disease conclusively. Therefore, this variant is classified as a Variant of Uncertain Significance.

This study involves interpretation of variants in research participants for the purpose of population health screening. Participant phenotype was not available at the time of variant classification. Additional details can be found in publication PMID: 35346344, PMCID: PMC8962531

NM_000540.3(RYR1):c.4186G>T (p.Ala1396Ser)

Gene: RYR1 (ryanodine receptor 1; plus strand). Cytogenetic location: 19q13.2.
Variant type: single nucleotide variant.
Coding change: c.4186G>T on transcript NM_000540.3 (MANE Select); coding-DNA position 4186, G replaced by T.
Protein change: p.Ala1396Ser; replaces alanine 1396 with serine.
Molecular consequence: missense variant.
Genome position (GRCh38, 1-based): chr19:38,475,343, G>T. VCF-style: chr19-38475343-G-T. GRCh37 (hg19) VCF-style: chr19-38965983-G-T.
Other names: c.4186G>T, p.Ala1396Ser (NM_001042723.2); short protein forms A1396S.
Identifiers: ClinVar variation 3074735 (VCV003074735.1), dbSNP rs772111760, ClinGen allele CA405644229.